The following is an entry in ClinVar:

NM_001083961.2(WDR62):c.525C>T (p.Tyr175=)

Gene: WDR62 (WD repeat domain 62; plus strand). Cytogenetic location: 19q13.12.
Variant type: single nucleotide variant.
Coding change: c.525C>T on transcript NM_001083961.2 (MANE Select); coding-DNA position 525, C replaced by T.
Protein change: p.Tyr175=; no amino-acid change (tyrosine 175 retained).
Molecular consequence: synonymous variant.
Genome position (GRCh38, 1-based): chr19:36,066,391, C>T. VCF-style: chr19-36066391-C-T. GRCh37 (hg19) VCF-style: chr19-36557293-C-T.
Other names: c.525C>T, p.Tyr175= (NM_173636.5).
Identifiers: ClinVar variation 501110 (VCV000501110.27), dbSNP rs779093591, ClinGen allele CA9395311.

ClinVar aggregate classification (germline): Conflicting classifications of pathogenicity. Review status: criteria provided, conflicting classifications (1 of 4 stars). 3 submissions from 3 submitters: Uncertain significance (1); Likely benign (2). Last evaluated 2024-06-01.

Allele frequency attached by ClinVar (database versions not stated): ExAC 0.00001; gnomAD 0.00001; gnomAD exomes 0.00001; TOPMed 0.00001.
gnomAD v4.1: 14 of 1,611,500 alleles (0.00087%); highest among the groups gnomAD compares: Middle Eastern, 0.016%; no homozygotes.

Submissions (3):

CeGaT Center for Human Genetics Tuebingen
Classification: Likely benign. Last evaluated: 2024-06-01. Review status: criteria provided, single submitter. Criteria: CeGaT Center For Human Genetics Tuebingen Variant Classification Criteria Version 2. Collection method: clinical testing. Allele origin: germline. Affected: yes. Observed: 1 variant allele.
Comment: WDR62: BP4, BP7

Labcorp Genetics (formerly Invitae), Labcorp
Classification: Likely benign. Last evaluated: 2018-05-17. Review status: criteria provided, single submitter. Criteria: Invitae Variant Classification Sherloc (09022015). Collection method: clinical testing. Allele origin: germline.

Eurofins Ntd Llc (ga)
Classification: Uncertain significance. Last evaluated: 2017-04-04. Review status: criteria provided, single submitter. Criteria: EGL Classification Definitions 2015. Collection method: clinical testing. Allele origin: germline. Observed: 1 variant allele, 1 heterozygote.